The following is an entry in ClinVar:

NM_152594.3(SPRED1):c.207+2T>G

Gene: SPRED1 (sprouty related EVH1 domain containing 1; plus strand). Cytogenetic location: 15q14.
Variant type: single nucleotide variant.
Coding change: c.207+2T>G on transcript NM_152594.3 (MANE Select); the canonical splice donor site of the intron after coding-DNA position 207, T replaced by G.
Molecular consequence: splice donor variant.
Genome position (GRCh38, 1-based): chr15:38,299,549, T>G. VCF-style: chr15-38299549-T-G. GRCh37 (hg19) VCF-style: chr15-38591750-T-G.
Identifiers: ClinVar variation 4723048 (VCV004723048.1).

ClinVar aggregate classification (germline): Likely pathogenic (1 of 4 stars; one submission).

Conditions:
Legius syndrome. Identifiers: Orphanet 137605, MedGen C1969623, MONDO:0012669, OMIM 611431. Disease mechanism: loss of function.

Submission:

Labcorp Genetics (formerly Invitae), Labcorp
Classification: Likely pathogenic for Legius syndrome. Last evaluated: 2025-07-13. Review status: criteria provided, single submitter. Criteria: Invitae Variant Classification Sherloc (09022015). Collection method: clinical testing. Allele origin: germline.
Comment: This sequence change affects a donor splice site in intron 2 of the SPRED1 gene. It is expected to disrupt RNA splicing. Variants that disrupt the donor or acceptor splice site typically lead to a loss of protein function (PMID: 16199547), and loss-of-function variants in SPRED1 are known to be pathogenic (PMID: 17704776). This variant is not present in population databases (gnomAD no frequency). This variant has not been reported in the literature in individuals affected with SPRED1-related conditions. Algorithms developed to predict the effect of sequence changes on RNA splicing suggest that this variant may disrupt the consensus splice site. In summary, the currently available evidence indicates that the variant is pathogenic, but additional data are needed to prove that conclusively. Therefore, this variant has been classified as Likely Pathogenic.

Literature cited by the submitters: PubMed 16199547; PubMed 17704776.